The following is an entry in ClinVar:

ClinVar aggregate classification (germline): Uncertain significance. Review status: criteria provided, multiple submitters, no conflicts (2 of 4 stars). 2 submissions from 2 submitters: Uncertain significance (2). Last evaluated 2026-04-10.

Conditions:
Autosomal dominant polycystic kidney disease. Identifiers: Orphanet 730, MedGen C0085413, MONDO:0004691.
PKD2-related disorder. Also called: PKD2-related condition.

Allele frequency attached by ClinVar (database versions not stated): gnomAD exomes below 0.00001; gnomAD 0.00001.
gnomAD v4.1: 3 of 1,370,032 alleles (0.00022%); highest among the groups gnomAD compares: Non-Finnish European, 0.00028%; no homozygotes.

Submissions (2):

PreventionGenetics, part of Exact Sciences
Classification: Uncertain significance for PKD2-related condition. Last evaluated: 2026-04-10. Review status: criteria provided, single submitter. Criteria: ACMG Guidelines, 2015. Collection method: clinical testing. Allele origin: germline.
Comment: The PKD2 c.451A>G variant is predicted to result in the amino acid substitution p.Ser151Gly. To our knowledge, this variant has not been reported in the literature or in a large population database (gnomAD), indicating this variant is rare. At this time, the clinical significance of this variant is uncertain due to the absence of conclusive functional and genetic evidence.

Labcorp Genetics (formerly Invitae), Labcorp
Classification: Uncertain significance for Autosomal dominant polycystic kidney disease. Last evaluated: 2025-10-14. Review status: criteria provided, single submitter. Criteria: Invitae Variant Classification Sherloc (09022015). Collection method: clinical testing. Allele origin: germline.
Comment: This sequence change replaces serine, which is neutral and polar, with glycine, which is neutral and non-polar, at codon 151 of the PKD2 protein (p.Ser151Gly). This variant is not present in population databases (gnomAD no frequency). This variant has not been reported in the literature in individuals affected with PKD2-related conditions. ClinVar contains an entry for this variant (Variation ID: 2151320). An algorithm developed to predict the effect of missense changes on protein structure and function outputs the following: PolyPhen-2: "Benign". The glycine amino acid residue is found in multiple mammalian species, which suggests that this missense change does not adversely affect protein function. In summary, the available evidence is currently insufficient to determine the role of this variant in disease. Therefore, it has been classified as a Variant of Uncertain Significance.

NM_000297.4(PKD2):c.451A>G (p.Ser151Gly)

Genes: PKD2 (polycystin 2, transient receptor potential cation channel; plus strand), LOC129992813 (ATAC-STARR-seq lymphoblastoid silent region 15559; plus strand). Cytogenetic location: 4q22.1.
Variant type: single nucleotide variant.
Coding change: c.451A>G on transcript NM_000297.4 (MANE Select); coding-DNA position 451, A replaced by G.
Protein change: p.Ser151Gly; replaces serine 151 with glycine.
Molecular consequence: missense variant. On other transcripts: non-coding transcript variant (1).
Genome position (GRCh38, 1-based): chr4:88,008,184, A>G. VCF-style: chr4-88008184-A-G. GRCh37 (hg19) VCF-style: chr4-88929336-A-G.
Other names: c.451A>G (NM_000297.3); short protein forms S151G.
Identifiers: ClinVar variation 2151320 (VCV002151320.5), dbSNP rs1391653115, ClinGen allele CA357626696.